The following is an entry in ClinVar:

NM_001267550.2(TTN):c.72119T>C (p.Ile24040Thr)

Genes: TTN (titin; minus strand), TTN-AS1 (TTN antisense RNA 1; plus strand). Cytogenetic location: 2q31.2.
Variant type: single nucleotide variant.
Coding change: c.72119T>C on transcript NM_001267550.2 (MANE Select); coding-DNA position 72119, T replaced by C.
Protein change: p.Ile24040Thr; replaces isoleucine 24040 with threonine.
Molecular consequence: missense variant.
Genome position (GRCh38, 1-based): chr2:178,574,013, A>G on the plus strand (T>C on the coding strand, the complement: TTN is on the minus strand). VCF-style: chr2-178574013-A-G. GRCh37 (hg19) VCF-style: chr2-179438740-A-G.
Other names: c.67196T>C, p.Ile22399Thr (NM_001256850.1); c.44924T>C, p.Ile14975Thr (NM_003319.4); c.64415T>C, p.Ile21472Thr (NM_133378.4); c.45299T>C, p.Ile15100Thr (NM_133432.3); c.45500T>C, p.Ile15167Thr (NM_133437.4); short protein forms I14975T, I15100T, I15167T, I21472T, I22399T, I24040T.
Identifiers: ClinVar variation 3063742 (VCV003063742.1), dbSNP rs2468609950, ClinGen allele CA349648463.

ClinVar aggregate classification (germline): Uncertain significance (1 of 4 stars; one submission).

Allele frequency attached by ClinVar (database versions not stated): gnomAD exomes below 0.00001.
gnomAD v4.1: 2 of 1,613,422 alleles (0.00012%); highest among the groups gnomAD compares: Non-Finnish European, 0.00017%; no homozygotes.

Submission:

Women's Health and Genetics/Laboratory Corporation of America, LabCorp
Classification: Uncertain significance. Last evaluated: 2024-01-31. Review status: criteria provided, single submitter. Criteria: LabCorp Variant Classification Summary - May 2015. Collection method: clinical testing. Allele origin: germline.
Comment: Variant summary: TTN c.64415T>C (p.Ile21472Thr) results in a non-conservative amino acid change located in the A-band domain of the encoded protein sequence. Two of three in-silico tools predict a benign effect of the variant on protein function. The variant was absent in 248250 control chromosomes. The available data on variant occurrences in the general population are insufficient to allow any conclusion about variant significance. To our knowledge, no occurrence of c.64415T>C in individuals affected with Limb-Girdle Muscular Dystrophy, Type 2J and no experimental evidence demonstrating its impact on protein function have been reported. No submitters have cited clinical-significance assessments for this variant to ClinVar. Based on the evidence outlined above, the variant was classified as uncertain significance.